The following is an entry in ClinVar:

ClinVar aggregate classification (germline): Likely pathogenic (1 of 4 stars; one submission).

Conditions:
Myopathy, congenital, with diaphragmatic defects, respiratory insufficiency, and dysmorphic facies. Also called: MYOPATHY, CONGENITAL, DUE TO MYOD1 DEFICIENCY; CONGENITAL MYOPATHY 17. Identifiers: MedGen C5436530, MONDO:0033548, OMIM 618975.

Submission:

Human Genetics Section, Sidra Medicine
Classification: Likely pathogenic for Myopathy, congenital, with diaphragmatic defects, respiratory insufficiency, and dysmorphic facies. Last evaluated: 2024-11-01. Review status: criteria provided, single submitter. Criteria: ACMG Guidelines, 2015. Collection method: research. Allele origin: germline. Affected: yes. Observed: 1 variant allele.
Comment: This variant is not present in population databases (gnomAD no frequency). Frameshift variant predicted to result in protein truncation or nonsense mediated decay in a gene for which loss-of-function is a known mechanism of disease.

NM_002478.5(MYOD1):c.352G>T (p.Glu118Ter)

Gene: MYOD1 (myogenic differentiation 1; plus strand). Cytogenetic location: 11p15.1.
Variant type: single nucleotide variant.
Coding change: c.352G>T on transcript NM_002478.5 (MANE Select); coding-DNA position 352, G replaced by T.
Protein change: p.Glu118Ter; replaces glutamic acid 118 with a stop codon.
Molecular consequence: nonsense.
Genome position (GRCh38, 1-based): chr11:17,720,134, G>T. VCF-style: chr11-17720134-G-T. GRCh37 (hg19) VCF-style: chr11-17741681-G-T.
Other names: short protein forms E118*.
Identifiers: ClinVar variation 3764541 (VCV003764541.2).